The following is an entry in ClinVar:

NM_000414.4(HSD17B4):c.1369A>T (p.Asn457Tyr)

Gene: HSD17B4 (hydroxysteroid 17-beta dehydrogenase 4; plus strand). Cytogenetic location: 5q23.1.
Variant type: single nucleotide variant.
Coding change: c.1369A>T on transcript NM_000414.4 (MANE Select); coding-DNA position 1369, A replaced by T.
Protein change: p.Asn457Tyr; replaces asparagine 457 with tyrosine.
Molecular consequence: missense variant.
Genome position (GRCh38, 1-based): chr5:119,509,176, A>T. VCF-style: chr5-119509176-A-T. GRCh37 (hg19) VCF-style: chr5-118844871-A-T.
Other names: c.1444A>T, p.Asn482Tyr (NM_001199291.3); c.1315A>T, p.Asn439Tyr (NM_001199292.2); c.1297A>T, p.Asn433Tyr (NM_001292027.2); c.949A>T, p.Asn317Tyr (NM_001292028.2); short protein forms N457Y, N317Y, N482Y, N433Y, N439Y.
Identifiers: ClinVar variation 7656 (VCV000007656.40), dbSNP rs137853097, ClinGen allele CA118961.
Genomic context (GRCh38, chr5:119,509,176, plus strand): 5'-ATTTTTTCTTTTATTTACTTTTCAGTCTATTCTTATTCTGAGAAGGAACTTATATGCCAC[A>T]ATCAGTTCTCTCTCTTTCTTGTTGGCTCTGGAGGCTTTGGTGGAAAACGGACATCAGACA-3'
Protein context (NP_000405.1, residues 447-467): SYSEKELICH[Asn457Tyr]QFSLFLVGSG

ClinVar aggregate classification (germline): Pathogenic/Likely pathogenic. Review status: criteria provided, multiple submitters, no conflicts (2 of 4 stars). 16 submissions from 16 submitters: Pathogenic (10); Likely pathogenic (4). 2 of the submissions do not count toward it. Last evaluated 2026-01-15.

Conditions:
HSD17B4-related disorder. Also called: HSD17B4-related disorders; HSD17B4-related condition.
Perrault syndrome. Also called: Gonadal dysgenesis with auditory dysfunction, autosomal recessive inheritance. Identifiers: Orphanet 2855, MedGen C0685838, MONDO:0017312.
Bifunctional peroxisomal enzyme deficiency (DBIF). Also called: D-bifunctional protein deficiency; PBFE DEFICIENCY; DBP DEFICIENCY. Identifiers: Orphanet 300, MedGen C0342870, MONDO:0009855, OMIM 261515. Disease mechanism: loss of function.
Perrault syndrome 1 (PRLTS1). Also called: GONADAL DYSGENESIS, XX TYPE, WITH DEAFNESS; OVARIAN DYSGENESIS WITH SENSORINEURAL DEAFNESS. Identifiers: Orphanet 2855, Orphanet 642945, MedGen C4551721, MONDO:0009300, OMIM 233400.

Allele frequency attached by ClinVar (database versions not stated): TOPMed 0.00001.
gnomAD v4.1: 24 of 1,604,088 alleles (0.0015%); highest among the groups gnomAD compares: Admixed American, 0.012%; no homozygotes.

Submissions 1 to 12 of 16:

Labcorp Genetics (formerly Invitae), Labcorp
Classification: Pathogenic for Perrault syndrome; Bifunctional peroxisomal enzyme deficiency. Last evaluated: 2026-01-15. Review status: criteria provided, single submitter. Criteria: Invitae Variant Classification Sherloc (09022015). Collection method: clinical testing. Allele origin: germline.
Comment: This sequence change replaces asparagine, which is neutral and polar, with tyrosine, which is neutral and polar, at codon 457 of the HSD17B4 protein (p.Asn457Tyr). This variant is present in population databases (rs137853097, gnomAD 0.006%). This missense change has been observed in individuals with D-bifunctional protein deficiency (PMID: 10400999, 16385454, 23181892, 25882080). It has also been observed to segregate with disease in related individuals. ClinVar contains an entry for this variant (Variation ID: 7656). Invitae Evidence Modeling of protein sequence and biophysical properties (such as structural, functional, and spatial information, amino acid conservation, physicochemical variation, residue mobility, and thermodynamic stability) indicates that this missense variant is expected to disrupt HSD17B4 protein function with a positive predictive value of 80%. Experimental studies have shown that this missense change affects HSD17B4 function (PMID: 10400999, 22864515). For these reasons, this variant has been classified as Pathogenic.

PreventionGenetics, part of Exact Sciences
Classification: Pathogenic for HSD17B4-related condition. Last evaluated: 2025-12-08. Review status: criteria provided, single submitter. Criteria: ACMG Guidelines, 2015. Collection method: clinical testing. Allele origin: germline.
Comment: The HSD17B4 c.1369A>T variant is predicted to result in the amino acid substitution p.Asn457Tyr. This variant has been reported in the homozygous and compound heterozygous states in individuals with D-bifunctional protein deficiency (see for example: Ferdinandusse et al. 2006. PubMed ID: 16385454; McMillan et al. 2012. PubMed ID: 23181892). This variant results in reduced hydratase activity (van Grunsven et al. 1999. PubMed ID: 10400999; Tsuchida et al. 2012. PubMed ID: 22864515). This variant is reported in 0.0058% of alleles in individuals of Latino descent in gnomAD. This variant is interpreted as pathogenic.

Natera, Inc.
Classification: Pathogenic for Bifunctional peroxisomal enzyme deficiency. Last evaluated: 2025-08-27. Review status: criteria provided, single submitter. Criteria: Natera Variant Classification Schema (03/2026). Collection method: clinical testing. Allele origin: germline.
Comment: The c.1369A>T variant in HSD17B4 is a missense variant predicted to cause substitution of asparagine to tyrosine at amino acid 457. This variant is rare in the general population with a frequency below the threshold expected for the associated phenotype(s). This variant has been observed in one or more individuals affected with the associated recessive disease, as either homozygous or compound heterozygous with a second variant (PMID: 25882080, 16385454). Given the available evidence, this variant is classified as Pathogenic.

3billion
Classification: Pathogenic for Bifunctional peroxisomal enzyme deficiency. Last evaluated: 2025-07-02. Review status: criteria provided, single submitter. Criteria: ACMG Guidelines, 2015. Collection method: clinical testing. Allele origin: germline. Affected: yes.
Comment: The variant is observed at an extremely low frequency in the gnomAD v4.1.0 dataset (total allele frequency: 0.001%). Predicted Consequence/Location: Missense variant. The majority of the known disease-causing variants of this gene are variants expected to result in premature termination of the protein. Functional studies provide strong evidence of the variant having a damaging effect on the gene or gene product (PMID: 22864515). In silico tool predictions suggest damaging effect of the variant on gene or gene product [REVEL: 0.86 (>=0.6, sensitivity 0.68 and specificity 0.92); 3Cnet: 0.81 (> 0.75, sensitivity 0.96 and precision 0.92)]. The same nucleotide change resulting in the same amino acid change has been previously reported as pathogenic/likely pathogenic with strong evidence (ClinVar ID: VCV000007656 /PMID: 10400999 /3billion dataset). A different missense change at the same codon (p.Asn457Asp) has been reported as pathogenic/likely pathogenic with strong evidence (ClinVar ID: VCV000371413 /PMID: 10400999). Therefore, this variant is classified as Pathogenic according to the recommendation of ACMG/AMP guideline.

Revvity Omics, Revvity
Classification: Likely pathogenic. Last evaluated: 2024-09-03. Review status: criteria provided, single submitter. Criteria: ACMG Guidelines, 2015. Collection method: clinical testing. Allele origin: germline.

Fulgent Genetics
Classification: Pathogenic for Perrault syndrome 1; Bifunctional peroxisomal enzyme deficiency. Last evaluated: 2024-06-20. Review status: criteria provided, single submitter. Criteria: ACMG Guidelines, 2015. Collection method: clinical testing. Allele origin: germline.

Baylor Genetics
Classification: Pathogenic for Bifunctional peroxisomal enzyme deficiency. Last evaluated: 2024-03-11. Review status: criteria provided, single submitter. Criteria: ACMG Guidelines, 2015. Collection method: clinical testing. Allele origin: unknown.

GeneDx
Classification: Pathogenic. Last evaluated: 2023-03-20. Review status: criteria provided, single submitter. Criteria: GeneDx Variant Classification Process June 2021. Collection method: clinical testing. Allele origin: germline. Affected: yes.
Comment: Published functional studies demonstrate this variant disrupts domain folding and reduces hydratase activity to less than 10% of wild type (van Grunsven et al., 1999; Tsuchida et al., 2012); In silico analysis, which includes protein predictors and evolutionary conservation, supports a deleterious effect; Not observed at a significant frequency in large population cohorts (gnomAD); This variant is associated with the following publications: (PMID: 10400999, 22864515, 25882080, 25967389, 16385454, 31589614)

Institute of Human Genetics, University of Leipzig Medical Center
Classification: Likely pathogenic for Bifunctional peroxisomal enzyme deficiency. Last evaluated: 2022-05-06. Review status: criteria provided, single submitter. Criteria: ACMG Guidelines, 2015. Collection method: clinical testing. Allele origin: maternal. Affected: yes.
Comment: This variant was identified as homozygous._x000D_ Criteria applied: PM3_VSTR, PS3_SUP, PM2_SUP, PP3

Laboratorio de Genetica e Diagnostico Molecular, Hospital Israelita Albert Einstein
Classification: Likely pathogenic for Bifunctional peroxisomal enzyme deficiency. Last evaluated: 2021-04-02. Review status: criteria provided, single submitter. Criteria: ACMG Guidelines, 2015. Collection method: clinical testing. Allele origin: germline. Affected: yes.
Comment: ACMG classification criteria: PS4 moderate, PM2, PM3, PP3

Myriad Genetics, Inc.
Classification: Likely pathogenic for Bifunctional peroxisomal enzyme deficiency. Last evaluated: 2019-12-09. Review status: criteria provided, single submitter. Criteria: Myriad Women's Health Autosomal Recessive and X-Linked Classification Criteria (2019). Collection method: clinical testing. Allele origin: unknown.
Comment: NM_000414.3(HSD17B4):c.1369A>T(N457Y) is classified as likely pathogenic in the context of D-bifunctional protein deficiency. Sources cited for classification include the following: PMID 12562856, 16385454 and 10400999. Classification of NM_000414.3(HSD17B4):c.1369A>T(N457Y) is based on the following criteria: This variant has been observed more frequently in patients with clinical diagnoses than in healthy populations. Please note: this variant was assessed in the context of healthy population screening.

Women's Health and Genetics/Laboratory Corporation of America, LabCorp
Classification: Pathogenic for Bifunctional peroxisomal enzyme deficiency. Last evaluated: 2019-10-17. Review status: criteria provided, single submitter. Criteria: LabCorp Variant Classification Summary - May 2015. Collection method: clinical testing. Allele origin: germline.
Comment: Variant summary: HSD17B4 c.1369A>T (p.Asn457Tyr) results in a non-conservative amino acid change in the encoded protein sequence. Five of five in-silico tools predict a damaging effect of the variant on protein function. The variant allele was found at a frequency of 1.6e-05 in 251434 control chromosomes. c.1369A>T has been reported in the literature in multiple individuals affected with D-Bifunctional Protein Deficiency (vanGrunsven_1999, Nascimento_2015). These data indicate that the variant is very likely to be associated with disease. Two publications report experimental evidence evaluating an impact on protein function. The most pronounced variant effect results in <10% of normal activity (vanGrunsven_1999, Tsuchida_2012). Four clinical diagnostic laboratories have submitted clinical-significance assessments for this variant to ClinVar after 2014. All laboratories classified the variant as pathogenic/likely pathogenic. Based on the evidence outlined above, the variant was classified as pathogenic.